The following is an entry in ClinVar:

NM_004655.4(AXIN2):c.1242G>A (p.Arg414=)

Gene: AXIN2 (axin 2; minus strand). Cytogenetic location: 17q24.1.
Variant type: single nucleotide variant.
Coding change: c.1242G>A on transcript NM_004655.4 (MANE Select); coding-DNA position 1242, G replaced by A.
Protein change: p.Arg414=; no amino-acid change (arginine 414 retained).
Molecular consequence: synonymous variant.
Genome position (GRCh38, 1-based): chr17:65,537,794, C>T on the plus strand (G>A on the coding strand, the complement: AXIN2 is on the minus strand). VCF-style: chr17-65537794-C-T. GRCh37 (hg19) VCF-style: chr17-63533912-C-T.
Other names: c.1242G>A, p.Arg414= (NM_001363813.1); c.1242G>A (LRG_296t1).
Identifiers: ClinVar variation 324649 (VCV000324649.48), dbSNP rs200325634, ClinGen allele CA8718703.
Genomic context (GRCh38, chr17:65,537,794, plus strand): 5'-GTCTTCCTCGTAGCTGCCGGAGGGCAGTAGGGAGAGGGGGTGCTGCGTGGGCGCCCCCTC[C>T]CGCGAATTGAGTGTGAGCTCGGAGCCCTCTCTCTCTTCATCCTGAAAGGGAAGACGTCAG-3'
Protein context (NP_004646.3, residues 404-424): REGSELTLNS[Arg414=]EGAPTQHPLS

ClinVar aggregate classification (germline): Benign/Likely benign. Review status: criteria provided, multiple submitters, no conflicts (2 of 4 stars). 10 submissions from 10 submitters: Benign (6); Likely benign (4). Last evaluated 2026-01-28.

Conditions:
Hereditary cancer-predisposing syndrome. Also called: Tumor predisposition; Hereditary Cancer Syndrome; Neoplastic Syndromes, Hereditary; Hereditary neoplastic syndrome. Identifiers: Orphanet 140162, MedGen C0027672, MeSH D009386, MONDO:0015356.
Oligodontia-cancer predisposition syndrome. Also called: TOOTH AGENESIS-COLORECTAL CANCER SYNDROME. Identifiers: Orphanet 300576, MedGen C1837750, MONDO:0012075, OMIM 608615. Disease mechanism: loss of function.

Allele frequency attached by ClinVar (database versions not stated): gnomAD 0.00016 and 0.00018; TOPMed 0.00026; gnomAD exomes 0.00037; 1000 Genomes Project 0.00060; 1000 Genomes Project 30x 0.00078; ExAC 0.00083.
gnomAD v4.1: 143 of 1,586,584 alleles (0.009%); highest among the groups gnomAD compares: East Asian, 0.32%; no homozygotes.

Submissions (10):

Labcorp Genetics (formerly Invitae), Labcorp
Classification: Benign for Oligodontia-cancer predisposition syndrome. Last evaluated: 2026-01-28. Review status: criteria provided, single submitter. Criteria: Invitae Variant Classification Sherloc (09022015). Collection method: clinical testing. Allele origin: germline.

Center for Genomic Medicine, Rigshospitalet, Copenhagen University Hospital
Classification: Likely benign. Last evaluated: 2025-03-04. Review status: criteria provided, single submitter. Criteria: ACMG Guidelines, 2015. Collection method: clinical testing. Allele origin: germline.

Myriad Genetics, Inc.
Classification: Benign for Oligodontia-cancer predisposition syndrome. Last evaluated: 2024-07-02. Review status: criteria provided, single submitter. Criteria: Myriad Autosomal Dominant, Autosomal Recessive and X-Linked Classification Criteria (2023). Collection method: clinical testing. Allele origin: unknown.
Comment: This variant is considered benign. This variant is a silent/synonymous amino acid change and it is not expected to impact splicing.

CeGaT Center for Human Genetics Tuebingen
Classification: Likely benign. Last evaluated: 2024-06-01. Review status: criteria provided, single submitter. Criteria: CeGaT Center For Human Genetics Tuebingen Variant Classification Criteria Version 2. Collection method: clinical testing. Allele origin: germline. Affected: yes. Observed: 1 variant allele.
Comment: AXIN2: BP4, BP7, BS1

Blueprint Genetics
Classification: Likely benign. Last evaluated: 2024-01-23. Review status: criteria provided, single submitter. Criteria: ACMG Guidelines, 2015. Collection method: clinical testing. Allele origin: germline.

KCCC/NGS Laboratory, Kuwait Cancer Control Center
Classification: Benign for Oligodontia-cancer predisposition syndrome. Last evaluated: 2023-07-07. Review status: criteria provided, single submitter. Criteria: ACMG Guidelines, 2015. Collection method: clinical testing. Allele origin: germline. Affected: yes.

ARUP Laboratories, Molecular Genetics and Genomics, ARUP Laboratories
Classification: Likely benign. Last evaluated: 2021-01-25. Review status: criteria provided, single submitter. Criteria: ARUP Molecular Germline Variant Investigation Process 2021. Collection method: clinical testing. Allele origin: germline.

Sema4
Classification: Benign for Hereditary cancer-predisposing syndrome. Last evaluated: 2020-08-18. Review status: criteria provided, single submitter. Criteria: Sema4 Curation Guidelines. Collection method: curation. Allele origin: germline.

Illumina Laboratory Services, Illumina
Classification: Benign for Oligodontia-cancer predisposition syndrome. Last evaluated: 2018-01-12. Review status: criteria provided, single submitter. Criteria: ICSL Variant Classification Criteria 13 December 2019. Collection method: clinical testing. Allele origin: germline.
Comment: This variant was observed in the ICSL laboratory as part of a predisposition screen in an ostensibly healthy population. It had not been previously curated by ICSL or reported in the Human Gene Mutation Database (HGMD: prior to June 1st, 2018), and was therefore a candidate for classification through an automated scoring system. Utilizing variant allele frequency, disease prevalence and penetrance estimates, and inheritance mode, an automated score was calculated to assess if this variant is too frequent to cause the disease. Based on the score and internal cut-off values, a variant classified as benign is not then subjected to further curation. The score for this variant resulted in a classification of benign for this disease.

GeneDx
Classification: Benign. Last evaluated: 2015-03-03. Review status: criteria provided, single submitter. Criteria: GeneDx Variant Classification Process June 2021. Collection method: clinical testing. Allele origin: germline. Affected: yes.